The following is an entry in ClinVar:

ClinVar aggregate classification (germline): Pathogenic/Likely pathogenic. Review status: criteria provided, multiple submitters, no conflicts (2 of 4 stars). 2 submissions from 2 submitters: Pathogenic (1); Likely pathogenic (1). Last evaluated 2020-08-24.

Conditions:
Marfan syndrome (MFS). Also called: Marfan syndrome type 1; Marfan syndrome, classic; Marfan's syndrome; FBN1-Related Marfan Syndrome; MARFAN SYNDROME, TYPE I. Identifiers: Orphanet 284963, Orphanet 558, MedGen C0024796, MONDO:0007947, OMIM 154700.

Submissions (2):

Laboratory for Molecular Medicine, Mass General Brigham Personalized Medicine
Classification: Likely pathogenic for Marfan syndrome. Last evaluated: 2020-08-24. Review status: criteria provided, single submitter. Criteria: ACMG Guidelines, 2015. Collection method: clinical testing. Allele origin: germline.
Comment: The p.Cys1497Tyr variant in FBN1 has been identified in 1 individual with aortic aneurysm/dissection (Waldmuller 2007 PubMed: 17418587) and was absent from large population studies. This variant is reported in ClinVar (allele ID: 538059). Two additional variants involving this codon (p.Cys1497Gly and p.Cys1497Ser) have been reported (Wooderchak-Donahue 2015 allele ID: 538059; Perez 1999 PMID: 10189222). Computational prediction tools and conservation analyses suggest that this variant may impact the protein, though this information is not predictive enough to determine pathogenicity. Furthermore, this variant affects a highly conserved cysteine residue in the EGF-like domains, which is a common finding in individuals with Marfan syndrome (Schrijver 1999). In summary, although additional studies are required to fully establish its clinical significance, this variant meets criteria to be classified as likely pathogenic for autosomal dominant Marfan syndrome. ACMG/AMP Criteria applied:PM2: PM1; PM5_Supporting; PS4_Supporting; PP3.

Center for Human Genetics, Inc
Classification: Pathogenic for Marfan syndrome. Last evaluated: 2016-11-01. Review status: criteria provided, single submitter. Criteria: ACMG Guidelines, 2015. Collection method: clinical testing. Allele origin: germline. Affected: yes.

NM_000138.5(FBN1):c.4490G>A (p.Cys1497Tyr)

Gene: FBN1 (fibrillin 1; minus strand). Cytogenetic location: 15q21.1.
Variant type: single nucleotide variant.
Coding change: c.4490G>A on transcript NM_000138.5 (MANE Select); coding-DNA position 4490, G replaced by A.
Protein change: p.Cys1497Tyr; replaces cysteine 1497 with tyrosine.
Molecular consequence: missense variant.
Genome position (GRCh38, 1-based): chr15:48,468,504, C>T on the plus strand (G>A on the coding strand, the complement: FBN1 is on the minus strand). VCF-style: chr15-48468504-C-T. GRCh37 (hg19) VCF-style: chr15-48760701-C-T.
Other names: short protein forms C1497Y.
Identifiers: ClinVar variation 547321 (VCV000547321.2), dbSNP rs1555397212, ClinGen allele CA392353726.
Genomic context (GRCh38, chr15:48,468,504, plus strand): 5'-AAATCAGGTGGGCAGTCACAGATATAGCTGCCTGGAGTGTTGACACAGTTCCCACTGATG[C>T]ACGTGGTTGGATCCAGGCATTCATTCACATCTAAAACCGAACAGTGAGTAGTGGAGTTAT-3'
Protein context (NP_000129.3, residues 1487-1507): DVNECLDPTT[Cys1497Tyr]ISGNCVNTPG